The following is an entry in ClinVar:

NM_000548.5(TSC2):c.2743-4_2743dup

Gene: TSC2 (TSC complex subunit 2; plus strand). Cytogenetic location: 16p13.3.
Variant type: Duplication.
Coding change: c.2743-4_2743dup on transcript NM_000548.5 (MANE Select); 4 bases into the intron before coding-DNA position 2743 through coding-DNA position 2743, 5 bases duplicated (CCAGG; older notation c.2743-4_2743dupCCAGG).
Molecular consequence: splice acceptor variant.
Genome position (GRCh38, 1-based): chr16:2,076,487-2,076,491, CCAGG duplicated; duplicating any 5 consecutive bases within chr16:2,076,486-2,076,491 gives the same sequence; the c. name uses the placement nearest the transcript's 3' end. VCF-style (leftmost placement, unchanged base first): chr16-2076485-T-TGCCAG. GRCh37 (hg19) VCF-style: chr16-2126486-T-TGCCAG.
Other names: c.2743-4_2743dup (NM_001114382.3, NM_021055.3, NM_001370405.1 and 3 more transcripts); c.2632-4_2632dup (NM_001318827.2); c.2143-4_2143dup (NM_001318831.2); c.2596-4_2596dup (NM_001318829.2); c.2776-4_2776dup (NM_001318832.2).
Identifiers: ClinVar variation 65356 (VCV000065356.2), dbSNP rs137854093, ClinGen allele CA018034.

ClinVar aggregate classification (germline): not provided. Review status: no classification provided (0 of 4 stars). 2 submissions from 1 submitter: not provided (1). 1 of the submissions does not count toward it.

Conditions:
Tuberous sclerosis syndrome (TSC). Also called: Tuberous Sclerosis Complex; Tuberous sclerosis. Identifiers: Orphanet 805, MedGen C0041341, MONDO:0001734.

Submissions (2):

Tuberous sclerosis database (TSC2)
No classification provided. Condition: TSC. Review status: no classification provided. Criteria: Tuberous Sclerosis Database Assertion Criteria 2015. Collection method: curation. Allele origin: germline. Affected: yes.

Tuberous sclerosis database (TSC2)
No classification provided. Condition: TSC. Review status: flagged submission. Criteria: Tuberous Sclerosis Database Assertion Criteria 2015. Collection method: curation. Allele origin: germline. Affected: yes. Not counted in ClinVar's aggregate classification.
ClinVar note: Reason: This record appears to be redundant with a more recent record from the same submitter.
ClinVar note: Notes: SCV000066820 appears to be redundant with SCV000083804.